The following is an entry in ClinVar:

NM_004211.5(SLC6A5):c.236C>G (p.Ser79Cys)

Gene: SLC6A5 (solute carrier family 6 member 5; plus strand). Cytogenetic location: 11p15.1.
Variant type: single nucleotide variant.
Coding change: c.236C>G on transcript NM_004211.5 (MANE Select); coding-DNA position 236, C replaced by G.
Protein change: p.Ser79Cys; replaces serine 79 with cysteine.
Molecular consequence: missense variant. On other transcripts: 5 prime UTR variant (1).
Genome position (GRCh38, 1-based): chr11:20,601,361, C>G. VCF-style: chr11-20601361-C-G. GRCh37 (hg19) VCF-style: chr11-20622907-C-G.
Other names: c.-328C>G (NM_001318369.2); short protein forms S79C.
Identifiers: ClinVar variation 2160455 (VCV002160455.5), dbSNP rs763412704, ClinGen allele CA379911595.

ClinVar aggregate classification (germline): Uncertain significance. Review status: criteria provided, multiple submitters, no conflicts (2 of 4 stars). 2 submissions from 2 submitters: Uncertain significance (2). Last evaluated 2024-12-16.

Conditions:
Hyperekplexia 3 (HKPX3). Also called: HYPEREKPLEXIA 3, AUTOSOMAL RECESSIVE; HYPEREKPLEXIA 3, AUTOSOMAL DOMINANT. Identifiers: Orphanet 3197, MedGen C3553288, MONDO:0013827, OMIM 614618.

Submissions (2):

Labcorp Genetics (formerly Invitae), Labcorp
Classification: Uncertain significance for Hyperekplexia 3. Last evaluated: 2024-12-16. Review status: criteria provided, single submitter. Criteria: Invitae Variant Classification Sherloc (09022015). Collection method: clinical testing. Allele origin: germline.
Comment: This sequence change replaces serine, which is neutral and polar, with cysteine, which is neutral and slightly polar, at codon 79 of the SLC6A5 protein (p.Ser79Cys). This variant is not present in population databases (gnomAD no frequency). This variant has not been reported in the literature in individuals affected with SLC6A5-related conditions. ClinVar contains an entry for this variant (Variation ID: 2160455). Invitae Evidence Modeling of protein sequence and biophysical properties (such as structural, functional, and spatial information, amino acid conservation, physicochemical variation, residue mobility, and thermodynamic stability) indicates that this missense variant is not expected to disrupt SLC6A5 protein function with a negative predictive value of 95%. In summary, the available evidence is currently insufficient to determine the role of this variant in disease. Therefore, it has been classified as a Variant of Uncertain Significance.

Blueprint Genetics
Classification: Uncertain significance. Last evaluated: 2024-04-02. Review status: criteria provided, single submitter. Criteria: ACMG Guidelines, 2015. Collection method: clinical testing. Allele origin: germline.